The following is an entry in ClinVar:

ClinVar aggregate classification (germline): Uncertain significance. Review status: criteria provided, multiple submitters, no conflicts (2 of 4 stars). 2 submissions from 2 submitters: Uncertain significance (2). Last evaluated 2025-11-25.

Conditions:
Cystic fibrosis (CF). Also called: MUCOVISCIDOSIS. Identifiers: Orphanet 586, MedGen C0010674, MONDO:0009061, OMIM 219700. Disease mechanism: loss of function.
CFTR-related disorder (CFTR-RD). Also called: CFTR-related disorders; CFTR-related condition. Identifiers: MedGen C5924204, MONDO:7770004.

gnomAD v4.1: 1 of 1,614,084 alleles (0.000062%); highest among the groups gnomAD compares: Non-Finnish European, 0.000085%; no homozygotes.

Submissions (2):

Ambry Genetics
Classification: Uncertain significance for Cystic fibrosis. Last evaluated: 2025-11-25. Review status: criteria provided, single submitter. Criteria: Ambry Variant Classification Scheme 2023. Collection method: clinical testing. Allele origin: germline.
Comment: The p.K946Q variant (also known as c.2836A>C), located in coding exon 17 of the CFTR gene, results from an A to C substitution at nucleotide position 2836. The lysine at codon 946 is replaced by glutamine, an amino acid with similar properties. This amino acid position is well conserved in available vertebrate species. In addition, the in silico prediction for this alteration is inconclusive. Since supporting evidence is limited at this time, the clinical significance of this alteration remains unclear.

PreventionGenetics, part of Exact Sciences
Classification: Uncertain significance for CFTR-related condition. Last evaluated: 2025-03-18. Review status: criteria provided, single submitter. Criteria: ACMG Guidelines, 2015. Collection method: clinical testing. Allele origin: germline.
Comment: The CFTR c.2836A>C variant is predicted to result in the amino acid substitution p.Lys946Gln. To our knowledge, this variant has not been reported in the literature. This variant is reported in 0.00088% of alleles in individuals of European (non-Finnish) descent in gnomAD. At this time, the clinical significance of this variant is uncertain due to the absence of conclusive functional and genetic evidence.

NM_000492.4(CFTR):c.2836A>C (p.Lys946Gln)

Gene: CFTR (CF transmembrane conductance regulator; plus strand). Cytogenetic location: 7q31.2.
Variant type: single nucleotide variant.
Coding change: c.2836A>C on transcript NM_000492.4 (MANE Select); coding-DNA position 2836, A replaced by C.
Protein change: p.Lys946Gln; replaces lysine 946 with glutamine.
Molecular consequence: missense variant.
Genome position (GRCh38, 1-based): chr7:117,603,710, A>C. VCF-style: chr7-117603710-A-C. GRCh37 (hg19) VCF-style: chr7-117243764-A-C.
Other names: short protein forms K946Q.
Identifiers: ClinVar variation 1796641 (VCV001796641.4), dbSNP rs397508443, ClinGen allele CA368987159.